The following is an entry in ClinVar:

NM_001005242.3(PKP2):c.379dup (p.Thr127fs)

Gene: PKP2 (plakophilin 2; minus strand). Cytogenetic location: 12p11.21.
Variant type: Duplication.
Coding change: c.379dup on transcript NM_001005242.3 (MANE Select); coding-DNA position 379, one base duplicated (A; older notation c.379dupA).
Protein change: p.Thr127fs; shifts the reading frame from threonine 127.
Molecular consequence: frameshift variant.
Genome position (GRCh38, 1-based): chr12:32,878,501, T duplicated on the plus strand (A on the coding strand, the reverse complement: PKP2 is on the minus strand); the first of 2 consecutive T bases (chr12:32,878,501-32,878,502); duplicating either gives the same sequence. VCF-style (leftmost placement, unchanged base first): chr12-32878500-G-GT. GRCh37 (hg19) VCF-style: chr12-33031434-G-GT.
Other names: c.379dup, p.Thr127fs (NM_004572.4); short protein forms T127fs.
Identifiers: ClinVar variation 1073811 (VCV001073811.7), dbSNP rs2137950985, ClinGen allele CA2499221618.
Genomic context (GRCh38, chr12:32,878,500, plus strand): 5'-CTCCTCAGAGGATGCCTCAAGGACCTTTCTTCCACGGACTTCTGGGAGCTGTACTGTGCT[G>GT]TTCCTCTTCCCCAGCGACCTTCATAAGTGGCAGTTGTGCCAGCCTGCACATGAGAGAAAT-3'

ClinVar aggregate classification (germline): Pathogenic (1 of 4 stars; one submission).

Conditions:
Arrhythmogenic right ventricular dysplasia 9 (ARVD9). Also called: Arrhythmogenic Right Ventricular Dysplasia/Cardiomyopathy 9; ARRHYTHMOGENIC RIGHT VENTRICULAR DYSPLASIA, FAMILIAL, 9. Identifiers: MedGen C1836906, MONDO:0012180, OMIM 609040.

Submission:

Labcorp Genetics (formerly Invitae), Labcorp
Classification: Pathogenic for Arrhythmogenic right ventricular dysplasia 9. Last evaluated: 2020-06-21. Review status: criteria provided, single submitter. Criteria: Invitae Variant Classification Sherloc (09022015). Collection method: clinical testing. Allele origin: germline.
Comment: For these reasons, this variant has been classified as Pathogenic. Loss-of-function variants in PKP2 are known to be pathogenic (PMID: 15489853, 23911551). This variant has not been reported in the literature in individuals with PKP2-related conditions. This variant is not present in population databases (ExAC no frequency). This sequence change creates a premature translational stop signal (p.Thr127Asnfs*27) in the PKP2 gene. It is expected to result in an absent or disrupted protein product.

Literature cited by the submitters: PubMed 15489853; PubMed 23911551.